The following is an entry in ClinVar:

NM_005909.5(MAP1B):c.4567G>A (p.Glu1523Lys)

Gene: MAP1B (microtubule associated protein 1B; plus strand). Cytogenetic location: 5q13.2.
Variant type: single nucleotide variant.
Coding change: c.4567G>A on transcript NM_005909.5 (MANE Select); coding-DNA position 4567, G replaced by A.
Protein change: p.Glu1523Lys; replaces glutamic acid 1523 with lysine.
Molecular consequence: missense variant.
Genome position (GRCh38, 1-based): chr5:72,197,922, G>A. VCF-style: chr5-72197922-G-A. GRCh37 (hg19) VCF-style: chr5-71493749-G-A.
Other names: c.4189G>A, p.Glu1397Lys (NM_001324255.2); short protein forms E1523K, E1397K.
Identifiers: ClinVar variation 4979753 (VCV004979753.1).

ClinVar aggregate classification (germline): Likely benign (1 of 4 stars; one submission).

Conditions:
MAP1B-related disorder. Also called: MAP1B-related condition.

gnomAD v4.1: 175 of 1,614,110 alleles (0.011%); highest among the groups gnomAD compares: Non-Finnish European, 0.0019%; no homozygotes.

Submission:

PreventionGenetics, part of Exact Sciences
Classification: Likely benign for MAP1B-related condition. Last evaluated: 2025-11-24. Review status: criteria provided, single submitter. Criteria: ACMG Guidelines, 2015. Collection method: clinical testing. Allele origin: germline.
Comment: This variant is classified as likely benign based on ACMG/AMP sequence variant interpretation guidelines (Richards et al. 2015 PMID: 25741868, with internal and published modifications).